The following is an entry in ClinVar:

NM_001267550.2(TTN):c.30683-18C>T

Gene: TTN (titin; minus strand). Cytogenetic location: 2q31.2.
Variant type: single nucleotide variant.
Coding change: c.30683-18C>T on transcript NM_001267550.2 (MANE Select); 18 bases into the intron before coding-DNA position 30683, C replaced by T.
Molecular consequence: intron variant.
Genome position (GRCh38, 1-based): chr2:178,698,932, G>A on the plus strand (C>T on the coding strand, the complement: TTN is on the minus strand). VCF-style: chr2-178698932-G-A. GRCh37 (hg19) VCF-style: chr2-179563659-G-A.
Other names: c.26951-18C>T (NM_133378.4); c.29732-18C>T (NM_001256850.1); c.13282+39150C>T (NM_003319.4); c.13858+39150C>T (NM_133437.4); c.13657+39150C>T (NM_133432.3).
Identifiers: ClinVar variation 137778 (VCV000137778.10), dbSNP rs587780977, ClinGen allele CA291436.

ClinVar aggregate classification (germline): Benign/Likely benign. Review status: criteria provided, multiple submitters, no conflicts (2 of 4 stars). 3 submissions from 3 submitters: Benign (1); Likely benign (2). Last evaluated 2025-10-22.

Conditions:
Dilated cardiomyopathy 1G (CMD1G). Identifiers: Orphanet 154, MedGen C1858763, MONDO:0011400, OMIM 604145.
Autosomal recessive limb-girdle muscular dystrophy type 2J (LGMDR10). Also called: MUSCULAR DYSTROPHY, LIMB-GIRDLE, AUTOSOMAL RECESSIVE 10; Limb-girdle muscular dystrophy, type 2J. Identifiers: Orphanet 140922, MedGen C1837342, MONDO:0012127, OMIM 608807.

Allele frequency attached by ClinVar (database versions not stated): ExAC 0.00635; gnomAD exomes 0.05317.

Submissions (3):

Labcorp Genetics (formerly Invitae), Labcorp
Classification: Likely benign for Dilated cardiomyopathy 1G; Autosomal recessive limb-girdle muscular dystrophy type 2J. Last evaluated: 2025-10-22. Review status: criteria provided, single submitter. Criteria: Invitae Variant Classification Sherloc (09022015). Collection method: clinical testing. Allele origin: germline.

GeneDx
Classification: Benign. Last evaluated: 2012-10-31. Review status: criteria provided, single submitter. Criteria: GeneDx Variant Classification (06012015). Collection method: clinical testing. Allele origin: germline. Affected: yes.
Comment: This variant is considered likely benign or benign based on one or more of the following criteria: it is a conservative change, it occurs at a poorly conserved position in the protein, it is predicted to be benign by multiple in silico algorithms, and/or has population frequency not consistent with disease.

Breakthrough Genomics
Classification: Likely benign. Review status: criteria provided, single submitter. Criteria: ACMG Guidelines, 2015. Collection method: not provided. Allele origin: germline. Inheritance: Autosomal recessive inheritance. Affected: yes.